The following is an entry in ClinVar:

NM_001365276.2(TNXB):c.11248C>T (p.Arg3750Cys)

Genes: TNXB (tenascin XB; minus strand), LOC106780803 (tenascin XB recombination region; plus strand). Cytogenetic location: 6p21.33.
Variant type: single nucleotide variant.
Coding change: c.11248C>T on transcript NM_001365276.2 (MANE Select); coding-DNA position 11248, C replaced by T.
Protein change: p.Arg3750Cys; replaces arginine 3750 with cysteine.
Molecular consequence: missense variant.
Genome position (GRCh38, 1-based): chr6:32,044,396, G>A on the plus strand (C>T on the coding strand, the complement: TNXB is on the minus strand). VCF-style: chr6-32044396-G-A. GRCh37 (hg19) VCF-style: chr6-32012173-G-A.
Other names: p.Arg3748Cys; c.11989C>T, p.Arg3997Cys (NM_001428335.1); c.11242C>T, p.Arg3748Cys (NM_019105.8); c.535C>T, p.Arg179Cys (NM_032470.4); short protein forms R3748C, R3750C, R3997C, R179C.
Identifiers: ClinVar variation 4541125 (VCV004541125.1).

ClinVar aggregate classification (germline): Uncertain significance (1 of 4 stars; one submission).

Submission:

Mayo Clinic Laboratories, Mayo Clinic
Classification: Uncertain significance. Last evaluated: 2025-04-18. Review status: criteria provided, single submitter. Criteria: ACMG Guidelines, 2015. Collection method: clinical testing. Allele origin: germline. Observed: 1 variant allele.
Comment: BP4_moderate, PM2_supporting